The following is an entry in ClinVar:

NM_001042492.3(NF1):c.6810_6819del (p.Ile2270fs)

Gene: NF1 (neurofibromin 1; plus strand). Cytogenetic location: 17q11.2.
Variant type: Deletion.
Coding change: c.6810_6819del on transcript NM_001042492.3 (MANE Select); coding-DNA positions 6810 to 6819, 10 bases deleted (TCTTAGCAAG; older notation c.6810_6819delTCTTAGCAAG).
Protein change: p.Ile2270fs; shifts the reading frame from isoleucine 2270.
Molecular consequence: frameshift variant.
Genome position (GRCh38, 1-based): chr17:31,338,130-31,338,139, TCTTAGCAAG deleted. VCF-style (leftmost placement, unchanged base first): chr17-31338129-TTCTTAGCAAG-T. GRCh37 (hg19) VCF-style: chr17-29665147-TTCTTAGCAAG-T.
Other names: c.6747_6756delTCTTAGCAAG, p.Ile2249Metfs (NM_000267.4); short protein forms I2249fs, I2270fs.
Identifiers: ClinVar variation 3641114 (VCV003641114.2).

ClinVar aggregate classification (germline): Pathogenic (1 of 4 stars; one submission).

Conditions:
Neurofibromatosis, type 1 (NF1). Also called: Peripheral type neurofibromatosis; VON RECKLINGHAUSEN DISEASE; Neurofibromatosis, type I; NEUROFIBROMATOSIS, TYPE I, SOMATIC. Identifiers: Orphanet 636, MedGen C0027831, MONDO:0018975, OMIM 162200. Disease mechanism: loss of function.

Submission:

Labcorp Genetics (formerly Invitae), Labcorp
Classification: Pathogenic for Neurofibromatosis, type 1. Last evaluated: 2024-02-15. Review status: criteria provided, single submitter. Criteria: Invitae Variant Classification Sherloc (09022015). Collection method: clinical testing. Allele origin: germline.
Comment: This sequence change creates a premature translational stop signal (p.Ile2249Metfs*7) in the NF1 gene. It is expected to result in an absent or disrupted protein product. Loss-of-function variants in NF1 are known to be pathogenic (PMID: 10712197, 23913538). This variant is not present in population databases (gnomAD no frequency). This variant has not been reported in the literature in individuals affected with NF1-related conditions. Algorithms developed to predict the effect of sequence changes on RNA splicing suggest that this variant may disrupt the consensus splice site. For these reasons, this variant has been classified as Pathogenic.

Literature cited by the submitters: PubMed 10712197; PubMed 23913538.